The following is an entry in ClinVar:

NM_017491.5(WDR1):c.1587T>C (p.Tyr529=)

Gene: WDR1 (WD repeat domain 1; minus strand). Cytogenetic location: 4p16.1.
Variant type: single nucleotide variant.
Coding change: c.1587T>C on transcript NM_017491.5 (MANE Select); coding-DNA position 1587, T replaced by C.
Protein change: p.Tyr529=; no amino-acid change (tyrosine 529 retained).
Molecular consequence: synonymous variant.
Genome position (GRCh38, 1-based): chr4:10,077,431, A>G on the plus strand (T>C on the coding strand, the complement: WDR1 is on the minus strand). VCF-style: chr4-10077431-A-G. GRCh37 (hg19) VCF-style: chr4-10079055-A-G.
Other names: c.1167T>C, p.Tyr389= (NM_005112.5); c.1587T>C (NM_017491.3).
Identifiers: ClinVar variation 1086883 (VCV001086883.9), dbSNP rs369675816, ClinGen allele CA2857494.

ClinVar aggregate classification (germline): Likely benign. Review status: criteria provided, single submitter (1 of 4 stars). 2 submissions from 2 submitters: Likely benign (1). 1 of the submissions does not count toward it. Last evaluated 2025-12-29.

Conditions:
WDR1-related disorder. Also called: WDR1-related condition.

Allele frequency attached by ClinVar (database versions not stated): gnomAD exomes 0.00003 and 0.00007; ExAC 0.00007; ESP Exome Variant Server 0.00008; 1000 Genomes Project 30x 0.00031; TOPMed 0.00036; gnomAD 0.00037 and 0.00038; 1000 Genomes Project 0.00040.
gnomAD v4.1: 106 of 1,614,006 alleles (0.0066%); highest among the groups gnomAD compares: African/African-American, 0.13%; no homozygotes.

Submissions (2):

Labcorp Genetics (formerly Invitae), Labcorp
Classification: Likely benign. Last evaluated: 2025-12-29. Review status: criteria provided, single submitter. Criteria: Invitae Variant Classification Sherloc (09022015). Collection method: clinical testing. Allele origin: germline.

PreventionGenetics, part of Exact Sciences
Classification: Likely benign for WDR1-related condition. Last evaluated: 2020-12-18. Review status: no assertion criteria provided. Collection method: clinical testing. Allele origin: germline. Not counted in ClinVar's aggregate classification.
Comment: This variant is classified as likely benign based on ACMG/AMP sequence variant interpretation guidelines (Richards et al. 2015 PMID: 25741868, with internal and published modifications).